The following is an entry in ClinVar:

ClinVar aggregate classification (germline): Uncertain significance. Review status: criteria provided, multiple submitters, no conflicts (2 of 4 stars). 2 submissions from 2 submitters: Uncertain significance (2). Last evaluated 2025-08-28.

Conditions:
Inborn genetic diseases. Identifiers: MedGen C0950123, MeSH D030342.

Allele frequency attached by ClinVar (database versions not stated): gnomAD 0.00001; gnomAD exomes 0.00001; TOPMed 0.00001.
gnomAD v4.1: 14 of 1,612,164 alleles (0.00087%); highest among the groups gnomAD compares: East Asian, 0.0045%; no homozygotes.

Submissions (2):

Ambry Genetics
Classification: Uncertain significance for Inborn genetic diseases. Last evaluated: 2025-08-28. Review status: criteria provided, single submitter. Criteria: Ambry Variant Classification Scheme 2023. Collection method: clinical testing. Allele origin: germline.

Labcorp Genetics (formerly Invitae), Labcorp
Classification: Uncertain significance. Last evaluated: 2023-05-09. Review status: criteria provided, single submitter. Criteria: Invitae Variant Classification Sherloc (09022015). Collection method: clinical testing. Allele origin: germline.
Comment: In summary, the available evidence is currently insufficient to determine the role of this variant in disease. Therefore, it has been classified as a Variant of Uncertain Significance. Algorithms developed to predict the effect of sequence changes on RNA splicing suggest that this variant may disrupt the consensus splice site. Advanced modeling of protein sequence and biophysical properties (such as structural, functional, and spatial information, amino acid conservation, physicochemical variation, residue mobility, and thermodynamic stability) performed at Invitae indicates that this missense variant is not expected to disrupt ASPM protein function. ClinVar contains an entry for this variant (Variation ID: 2184797). This variant has not been reported in the literature in individuals affected with ASPM-related conditions. This variant is present in population databases (no rsID available, gnomAD 0.006%). This sequence change replaces alanine, which is neutral and non-polar, with threonine, which is neutral and polar, at codon 661 of the ASPM protein (p.Ala661Thr).

NM_018136.5(ASPM):c.1981G>A (p.Ala661Thr)

Gene: ASPM (assembly factor for spindle microtubules; minus strand). Cytogenetic location: 1q31.3.
Variant type: single nucleotide variant.
Coding change: c.1981G>A on transcript NM_018136.5 (MANE Select); coding-DNA position 1981, G replaced by A.
Protein change: p.Ala661Thr; replaces alanine 661 with threonine.
Molecular consequence: missense variant.
Genome position (GRCh38, 1-based): chr1:197,139,812, C>T on the plus strand (G>A on the coding strand, the complement: ASPM is on the minus strand). VCF-style: chr1-197139812-C-T. GRCh37 (hg19) VCF-style: chr1-197108942-C-T.
Other names: c.1981G>A, p.Ala661Thr (NM_001206846.2); c.1981G>A (NM_018136.4); short protein forms A661T.
Identifiers: ClinVar variation 2184797 (VCV002184797.4), dbSNP rs1316934887, ClinGen allele CA344011745.